The following is an entry in ClinVar:

ClinVar aggregate classification (germline): Pathogenic (1 of 4 stars; one submission).

Conditions:
Gorlin syndrome. Also called: Nevoid Basal Cell Carcinoma Syndrome; Basal cell nevus syndrome. Identifiers: Orphanet 377, MedGen C0004779, MONDO:0007187.

Submission:

Labcorp Genetics (formerly Invitae), Labcorp
Classification: Pathogenic for Gorlin syndrome. Last evaluated: 2016-05-11. Review status: criteria provided, single submitter. Criteria: Invitae Variant Classification Sherloc (09022015). Collection method: clinical testing. Allele origin: germline.
Comment: While this particular variant has not been reported in the literature, truncating variants in PTCH1 are known to be pathogenic (PMID: 16301862, 16419085). For these reasons, this variant has been classified as Pathogenic. This sequence change creates a premature translational stop signal at codon 1001 (p.Tyr1001*) of the PTCH1 gene. It is expected to result in an absent or disrupted protein product.

Literature cited by the submitters: PubMed 16301862; PubMed 16419085.

NM_000264.5(PTCH1):c.3003T>A (p.Tyr1001Ter)

Gene: PTCH1 (patched 1; minus strand). Cytogenetic location: 9q22.32.
Variant type: single nucleotide variant.
Coding change: c.3003T>A on transcript NM_000264.5 (MANE Select); coding-DNA position 3003, T replaced by A.
Protein change: p.Tyr1001Ter; replaces tyrosine 1001 with a stop codon.
Molecular consequence: nonsense. On other transcripts: non-coding transcript variant (1).
Genome position (GRCh38, 1-based): chr9:95,458,178, A>T on the plus strand (T>A on the coding strand, the complement: PTCH1 is on the minus strand). VCF-style: chr9-95458178-A-T. GRCh37 (hg19) VCF-style: chr9-98220460-A-T.
Other names: c.2805T>A, p.Tyr935Ter (NM_001083602.3); c.3000T>A, p.Tyr1000Ter (NM_001083603.3); c.2550T>A, p.Tyr850Ter (NM_001083604.3, NM_001083605.3, NM_001083606.3 and 1 more transcripts); c.2847T>A, p.Tyr949Ter (NM_001354918.2); short protein forms Y1001*, Y935*, Y1000*, Y850*, Y949*.
Identifiers: ClinVar variation 409212 (VCV000409212.7), dbSNP rs1060502298, ClinGen allele CA16612835.